The following is an entry in ClinVar:

NM_004168.4(SDHA):c.53T>A (p.Leu18Gln)

Gene: SDHA (succinate dehydrogenase complex flavoprotein subunit A; plus strand). Cytogenetic location: 5p15.33.
Variant type: single nucleotide variant.
Coding change: c.53T>A on transcript NM_004168.4 (MANE Select); coding-DNA position 53, T replaced by A.
Protein change: p.Leu18Gln; replaces leucine 18 with glutamine.
Molecular consequence: missense variant.
Genome position (GRCh38, 1-based): chr5:218,408, T>A. VCF-style: chr5-218408-T-A. GRCh37 (hg19) VCF-style: chr5-218523-T-A.
Other names: c.53T>A, p.Leu18Gln (NM_001294332.2, NM_001330758.2); short protein forms L18Q.
Identifiers: ClinVar variation 2179675 (VCV002179675.4), dbSNP rs2126522744, ClinGen allele CA359007422.

ClinVar aggregate classification (germline): Uncertain significance (1 of 4 stars; one submission).

Conditions:
Mitochondrial complex II deficiency, nuclear type 1. Also called: SUCCINATE CoQ REDUCTASE DEFICIENCY. Identifiers: Orphanet 3208, MedGen C5700310, MONDO:0100294, OMIM 252011.
Pheochromocytoma/paraganglioma syndrome 5. Also called: Paragangliomas 5; SDHA-Related Hereditary Paraganglioma-Pheochromocytoma Syndrome. Identifiers: Orphanet 29072, MedGen C3279992, MONDO:0013602, OMIM 614165.

Submission:

Labcorp Genetics (formerly Invitae), Labcorp
Classification: Uncertain significance for Pheochromocytoma/paraganglioma syndrome 5; Mitochondrial complex II deficiency, nuclear type 1. Last evaluated: 2022-08-09. Review status: criteria provided, single submitter. Criteria: Invitae Variant Classification Sherloc (09022015). Collection method: clinical testing. Allele origin: germline.
Comment: This sequence change replaces leucine, which is neutral and non-polar, with glutamine, which is neutral and polar, at codon 18 of the SDHA protein (p.Leu18Gln). This variant is not present in population databases (gnomAD no frequency). This variant has not been reported in the literature in individuals affected with SDHA-related conditions. Advanced modeling of protein sequence and biophysical properties (such as structural, functional, and spatial information, amino acid conservation, physicochemical variation, residue mobility, and thermodynamic stability) performed at Invitae indicates that this missense variant is not expected to disrupt SDHA protein function. In summary, the available evidence is currently insufficient to determine the role of this variant in disease. Therefore, it has been classified as a Variant of Uncertain Significance.